The following is an entry in ClinVar:

NM_024642.5(GALNT12):c.1125G>A (p.Lys375=)

Gene: GALNT12 (polypeptide N-acetylgalactosaminyltransferase 12; plus strand). Cytogenetic location: 9q22.33.
Variant type: single nucleotide variant.
Coding change: c.1125G>A on transcript NM_024642.5 (MANE Select); coding-DNA position 1125, G replaced by A.
Protein change: p.Lys375=; no amino-acid change (lysine 375 retained).
Molecular consequence: synonymous variant.
Genome position (GRCh38, 1-based): chr9:98,837,061, G>A. VCF-style: chr9-98837061-G-A. GRCh37 (hg19) VCF-style: chr9-101599343-G-A.
Identifiers: ClinVar variation 3227901 (VCV003227901.2), dbSNP rs2490533173, ClinGen allele CA466425041.

ClinVar aggregate classification (germline): Benign/Likely benign. Review status: criteria provided, multiple submitters, no conflicts (2 of 4 stars). 2 submissions from 2 submitters: Benign (1); Likely benign (1). Last evaluated 2026-04-27.

Conditions:
Colorectal cancer, susceptibility to, 1. Also called: COLORECTAL ADENOMA AND CANCER, SUSCEPTIBILITY TO; COLORECTAL CANCER, SUSCEPTIBILITY TO, ON CHROMOSOME 9. Identifiers: MedGen C1837315, MONDO:0012132, OMIM 608812.

Submissions (2):

Myriad Genetics, Inc.
Classification: Benign for Colorectal cancer, susceptibility to, 1. Last evaluated: 2026-04-27. Review status: criteria provided, single submitter. Criteria: Myriad Autosomal Dominant, Autosomal Recessive and X-Linked Classification Criteria (2023). Collection method: clinical testing. Allele origin: unknown.
Comment: This variant is considered benign. This variant is a silent/synonymous amino acid change and it is not expected to impact splicing.

Ambry Genetics
Classification: Likely benign. Last evaluated: 2023-11-23. Review status: criteria provided, single submitter. Criteria: Ambry Variant Classification Scheme 2023. Collection method: clinical testing. Allele origin: germline.